The following is an entry in ClinVar:

ClinVar aggregate classification (germline): Conflicting classifications of pathogenicity. Review status: criteria provided, conflicting classifications (1 of 4 stars). 2 submissions from 2 submitters: Likely pathogenic (1); Uncertain significance (1). Last evaluated 2025-12-29.

Conditions:
MELAS syndrome (MELAS). Also called: Juvenile myopathy, encephalopathy, lactic acidosis, stroke. Identifiers: Orphanet 550, MedGen C0162671, MONDO:0010789, OMIM 540000.

Submissions (2):

Clinical Genetics Laboratory, Skane University Hospital Lund
Classification: Uncertain significance. Last evaluated: 2025-12-29. Review status: criteria provided, single submitter. Criteria: ACMG Guidelines, 2015. Collection method: clinical testing. Allele origin: germline. Affected: yes.
Comment: Criteria applied according to the ClinGen Mitochondrial Disease Nuclear and Mitochondrial Expert Panel Specifications to the ACMG/AMP Variant Interpretation Guidelines Version 1_mtDNA: PM2_Supp, PP3.

Unidad de Genómica Garrahan, Hospital de Pediatría Garrahan
Classification: Likely pathogenic for MELAS syndrome. Last evaluated: 2025-09-09. Review status: criteria provided, single submitter. Criteria: ACMG Mitochondrial DNA Guidelines, 2020. Collection method: clinical testing. Allele origin: maternal. Inheritance: Mitochondrial inheritance. Affected: yes.
Comment: The heteroplasmic missense variant m.10176G>A was identified in a highly conserved region of the gene. This variant results in an amino acid substitution from glycine to serine at position 40 (p.(Gly40Ser)). It is not reported in population databases (gnomAD, MITOmap). In silico prediction tools (Apogee2) suggest that the variant has a deleterious effect on protein function. Heteroplasmy levels were found to correlate with the clinical involvement of the analyzed tissues (heteroplasmy in blood: 32%; in urinary epithelial cells: 82%). Based on the above-mentioned criteria, the variant is classified as likely pathogenic (PM2supp, PP3supp, PS2strong).

Literature cited by the submitters: PubMed 31178082 (cited by Unidad de Genómica Garrahan, Hospital de Pediatría Garrahan); PubMed 31996177 (cited by Unidad de Genómica Garrahan, Hospital de Pediatría Garrahan).

NC_012920.1(MT-ND3):m.10176G>A

Gene: MT-ND3 (mitochondrially encoded NADH dehydrogenase 3; plus strand).
Variant type: single nucleotide variant.
Genome position: chrM-10176-G-A.
Identifiers: ClinVar variation 3781322 (VCV003781322.3).